The following is an entry in ClinVar:

ClinVar aggregate classification (germline): Benign. Review status: criteria provided, multiple submitters, no conflicts (2 of 4 stars). 2 submissions from 2 submitters: Benign (2). Last evaluated 2018-01-12.

Conditions:
Occult macular dystrophy (OCMD). Also called: OMD; OCCULT MACULAR DYSTROPHY, SUSCEPTIBILITY TO. Identifiers: Orphanet 247834, MedGen C3150833, MONDO:0013316, OMIM 613587, HP:0030636.

Allele frequency attached by ClinVar (database versions not stated): gnomAD exomes 0.00102 and 0.00231; ExAC 0.00266; gnomAD 0.00910 and 0.00966; ESP Exome Variant Server 0.00968; TOPMed 0.00969; 1000 Genomes Project 0.01078; 1000 Genomes Project 30x 0.01171.
gnomAD v4.1: 2,970 of 1,611,970 alleles (0.18%); highest among the groups gnomAD compares: African/African-American, 3.3%; 42 homozygotes.

Submissions (2):

Illumina Laboratory Services, Illumina
Classification: Benign for Occult macular dystrophy. Last evaluated: 2018-01-12. Review status: criteria provided, single submitter. Criteria: ICSL Variant Classification Criteria 13 December 2019. Collection method: clinical testing. Allele origin: germline.
Comment: This variant was observed in the ICSL laboratory as part of a predisposition screen in an ostensibly healthy population. It had not been previously curated by ICSL or reported in the Human Gene Mutation Database (HGMD: prior to June 1st, 2018), and was therefore a candidate for classification through an automated scoring system. Utilizing variant allele frequency, disease prevalence and penetrance estimates, and inheritance mode, an automated score was calculated to assess if this variant is too frequent to cause the disease. Based on the score and internal cut-off values, a variant classified as benign is not then subjected to further curation. The score for this variant resulted in a classification of benign for this disease.

Breakthrough Genomics
Classification: Benign. Review status: criteria provided, single submitter. Criteria: ACMG Guidelines, 2015. Collection method: not provided. Allele origin: germline. Inheritance: Autosomal recessive inheritance. Affected: yes.

NM_178857.6(RP1L1):c.4620G>C (p.Glu1540Asp)

Gene: RP1L1 (RP1 like 1). Cytogenetic location: 8p23.1.
Variant type: single nucleotide variant.
Coding change: c.4620G>C on transcript NM_178857.6 (MANE Select); coding-DNA position 4620, G replaced by C.
Protein change: p.Glu1540Asp; replaces glutamic acid 1540 with aspartic acid.
Molecular consequence: missense variant.
Genome position (GRCh38, 1-based): chr8:10,609,478, C>G on the plus strand (G>C on the coding strand, the complement: RP1L1 is on the minus strand). VCF-style: chr8-10609478-C-G. GRCh37 (hg19) VCF-style: chr8-10466988-C-G.
Other names: short protein forms E1540D.
Identifiers: ClinVar variation 361271 (VCV000361271.6), dbSNP rs115884793, ClinGen allele CA4623955.
Genomic context (GRCh38, chr8:10,609,478, plus strand): 5'-CAGCTCGGCCGCCATCTGGTCCAGCAGATCATTGTCCTGCAGGCCCCAGCGTGCTCGGAG[C>G]TCAGCCACCGCACTGGCAAGGTGGGCCAGGAAGGCCTTCTCCGTCTTCTTCAGTAACACG-3'
Protein context (NP_849188.4, residues 1530-1550): FLAHLASAVA[Glu1540Asp]LRARWGLQDN